The following is an entry in ClinVar:

ClinVar aggregate classification (germline): Uncertain significance (1 of 4 stars; one submission).

Conditions:
LAMA2-related muscular dystrophy (LAMA2-RD). Also called: Laminin alpha 2-related dystrophy. Identifiers: MedGen C5679788, MONDO:0100228.

Allele frequency attached by ClinVar (database versions not stated): gnomAD 0.00001.
gnomAD v4.1: 1 of 1,613,906 alleles (0.000062%); highest among the groups gnomAD compares: African/African-American, 0.0013%; no homozygotes.

Submission:

Labcorp Genetics (formerly Invitae), Labcorp
Classification: Uncertain significance for LAMA2-related muscular dystrophy. Last evaluated: 2022-06-04. Review status: criteria provided, single submitter. Criteria: Invitae Variant Classification Sherloc (09022015). Collection method: clinical testing. Allele origin: germline.
Comment: This sequence change replaces threonine, which is neutral and polar, with alanine, which is neutral and non-polar, at codon 1187 of the LAMA2 protein (p.Thr1187Ala). This variant is not present in population databases (gnomAD no frequency). This variant has not been reported in the literature in individuals affected with LAMA2-related conditions. Advanced modeling of protein sequence and biophysical properties (such as structural, functional, and spatial information, amino acid conservation, physicochemical variation, residue mobility, and thermodynamic stability) performed at Invitae indicates that this missense variant is not expected to disrupt LAMA2 protein function. In summary, the available evidence is currently insufficient to determine the role of this variant in disease. Therefore, it has been classified as a Variant of Uncertain Significance.

NM_000426.4(LAMA2):c.3559A>G (p.Thr1187Ala)

Gene: LAMA2 (laminin subunit alpha 2; plus strand). Cytogenetic location: 6q22.33.
Variant type: single nucleotide variant.
Coding change: c.3559A>G on transcript NM_000426.4 (MANE Select); coding-DNA position 3559, A replaced by G.
Protein change: p.Thr1187Ala; replaces threonine 1187 with alanine.
Molecular consequence: missense variant.
Genome position (GRCh38, 1-based): chr6:129,315,479, A>G. VCF-style: chr6-129315479-A-G. GRCh37 (hg19) VCF-style: chr6-129636624-A-G.
Other names: c.3559A>G, p.Thr1187Ala (NM_001079823.2); short protein forms T1187A.
Identifiers: ClinVar variation 2054159 (VCV002054159.1), dbSNP rs1774524201, ClinGen allele CA365612590.